The following is an entry in ClinVar:

NM_004044.7(ATIC):c.1634G>A (p.Arg545Gln)

Gene: ATIC (5-aminoimidazole-4-carboxamide ribonucleotide formyltransferase/IMP cyclohydrolase; plus strand). Cytogenetic location: 2q35.
Variant type: single nucleotide variant.
Coding change: c.1634G>A on transcript NM_004044.7 (MANE Select); coding-DNA position 1634, G replaced by A.
Protein change: p.Arg545Gln; replaces arginine 545 with glutamine.
Molecular consequence: missense variant.
Genome position (GRCh38, 1-based): chr2:215,349,224, G>A. VCF-style: chr2-215349224-G-A. GRCh37 (hg19) VCF-style: chr2-216213947-G-A.
Other names: short protein forms R545Q.
Identifiers: ClinVar variation 2791842 (VCV002791842.3), dbSNP rs138166346, ClinGen allele CA2093430.

ClinVar aggregate classification (germline): Uncertain significance (1 of 4 stars; one submission).

Allele frequency attached by ClinVar (database versions not stated): 1000 Genomes Project 30x 0.00031; 1000 Genomes Project 0.00020.
gnomAD v4.1: 291 of 1,614,124 alleles (0.018%); highest among the groups gnomAD compares: Non-Finnish European, 0.024%; no homozygotes.

Submission:

Labcorp Genetics (formerly Invitae), Labcorp
Classification: Uncertain significance. Last evaluated: 2025-02-11. Review status: criteria provided, single submitter. Criteria: Invitae Variant Classification Sherloc (09022015). Collection method: clinical testing. Allele origin: germline.
Comment: This sequence change replaces arginine, which is basic and polar, with glutamine, which is neutral and polar, at codon 545 of the ATIC protein (p.Arg545Gln). This variant is present in population databases (rs138166346, gnomAD 0.02%). This variant has not been reported in the literature in individuals affected with ATIC-related conditions. ClinVar contains an entry for this variant (Variation ID: 2791842). Invitae Evidence Modeling of protein sequence and biophysical properties (such as structural, functional, and spatial information, amino acid conservation, physicochemical variation, residue mobility, and thermodynamic stability) indicates that this missense variant is expected to disrupt ATIC protein function with a positive predictive value of 80%. In summary, the available evidence is currently insufficient to determine the role of this variant in disease. Therefore, it has been classified as a Variant of Uncertain Significance.